The following is an entry in ClinVar:

ClinVar aggregate classification (germline): Pathogenic/Likely pathogenic. Review status: criteria provided, multiple submitters, no conflicts (2 of 4 stars). 3 submissions from 3 submitters: Pathogenic (1); Likely pathogenic (1). 1 of the submissions does not count toward it. Last evaluated 2025-06-17.

Conditions:
Hypertriglyceridemia 2. Identifiers: MedGen C5543398, MONDO:0859149, OMIM 619324.

Allele frequency attached by ClinVar (database versions not stated): gnomAD 0.00001; TOPMed 0.00001.
gnomAD v4.1: 17 of 1,609,470 alleles (0.0011%); highest among the groups gnomAD compares: Non-Finnish European, 0.0014%; no homozygotes.

Submissions (3):

Labcorp Genetics (formerly Invitae), Labcorp
Classification: Pathogenic. Last evaluated: 2025-06-17. Review status: criteria provided, single submitter. Criteria: Invitae Variant Classification Sherloc (09022015). Collection method: clinical testing. Allele origin: germline.
Comment: This sequence change creates a premature translational stop signal (p.Trp46*) in the CREB3L3 gene. It is expected to result in an absent or disrupted protein product. Loss-of-function variants in CREB3L3 are known to be pathogenic (PMID: 21666694, 26427795). This variant is present in population databases (no rsID available, gnomAD 0.004%). This premature translational stop signal has been observed in individual(s) with CREB3L3-related conditions (PMID: 21666694, 32041611). ClinVar contains an entry for this variant (Variation ID: 1120264). For these reasons, this variant has been classified as Pathogenic.

Revvity Omics, Revvity
Classification: Likely pathogenic for Hypertriglyceridemia 2. Last evaluated: 2024-09-22. Review status: criteria provided, single submitter. Criteria: ACMG Guidelines, 2015. Collection method: clinical testing. Allele origin: germline.

OMIM
Classification: risk factor for HYPERTRIGLYCERIDEMIA, SUSCEPTIBILITY TO, 2. Last evaluated: 2025-06-27. Review status: no assertion criteria provided. Collection method: literature only. Allele origin: germline. Not counted in ClinVar's aggregate classification.

Literature cited by the submitters: PubMed 21666694 (cited by Labcorp Genetics (formerly Invitae), Labcorp and OMIM); PubMed 26427795 (cited by Labcorp Genetics (formerly Invitae), Labcorp); PubMed 32041611 (cited by Labcorp Genetics (formerly Invitae), Labcorp).

NM_032607.3(CREB3L3):c.138G>A (p.Trp46Ter)

Gene: CREB3L3 (cAMP responsive element binding protein 3 like 3; plus strand). Cytogenetic location: 19p13.3.
Variant type: single nucleotide variant.
Coding change: c.138G>A on transcript NM_032607.3 (MANE Select); coding-DNA position 138, G replaced by A.
Protein change: p.Trp46Ter; replaces tryptophan 46 with a stop codon.
Molecular consequence: nonsense.
Genome position (GRCh38, 1-based): chr19:4,155,009, G>A. VCF-style: chr19-4155009-G-A. GRCh37 (hg19) VCF-style: chr19-4155006-G-A.
Other names: W46*; c.138G>A, p.Trp46Ter (NM_001271995.2, NM_001271996.2, NM_001271997.2).
Identifiers: ClinVar variation 1120264 (VCV001120264.6), dbSNP rs912378886, ClinGen allele CA304461384.